The following is an entry in ClinVar:

NM_000059.4(BRCA2):c.4268C>A (p.Thr1423Asn)

Gene: BRCA2 (BRCA2 DNA repair associated; plus strand). Cytogenetic location: 13q13.1.
Variant type: single nucleotide variant.
Coding change: c.4268C>A on transcript NM_000059.4 (MANE Select); coding-DNA position 4268, C replaced by A.
Protein change: p.Thr1423Asn; replaces threonine 1423 with asparagine.
Molecular consequence: missense variant. On other transcripts: non-coding transcript variant (1), intron variant (2).
Genome position (GRCh38, 1-based): chr13:32,338,623, C>A. VCF-style: chr13-32338623-C-A. GRCh37 (hg19) VCF-style: chr13-32912760-C-A.
Other names: c.4268C>A, p.Thr1423Asn (NM_001406719.1, NM_001406720.1, NM_001432077.1); c.1909+5236C>A (NM_001406721.1); c.425-5935C>A (NM_001406722.1); short protein forms T1423N.
Identifiers: ClinVar variation 3992703 (VCV003992703.2).

ClinVar aggregate classification (germline): Conflicting classifications of pathogenicity. Review status: criteria provided, conflicting classifications (1 of 4 stars). 2 submissions from 2 submitters: Uncertain significance (1); Likely benign (1). Last evaluated 2025-12-29.

Conditions:
Hereditary cancer-predisposing syndrome. Also called: Tumor predisposition; Hereditary neoplastic syndrome; Neoplastic Syndromes, Hereditary; Hereditary Cancer Syndrome. Identifiers: Orphanet 140162, MedGen C0027672, MeSH D009386, MONDO:0015356.

Submissions (2):

Center for Genomic Medicine, Rigshospitalet, Copenhagen University Hospital
Classification: Likely benign. Last evaluated: 2025-12-29. Review status: criteria provided, single submitter. Criteria: ACMG Guidelines, 2015. Collection method: clinical testing. Allele origin: germline.
Comment: Classification criteria: BP1_str

Ambry Genetics
Classification: Uncertain significance for Hereditary cancer-predisposing syndrome. Last evaluated: 2025-04-06. Review status: criteria provided, single submitter. Criteria: Ambry Variant Classification Scheme 2023. Collection method: clinical testing. Allele origin: germline.
Comment: The p.T1423N variant (also known as c.4268C>A), located in coding exon 10 of the BRCA2 gene, results from a C to A substitution at nucleotide position 4268. The threonine at codon 1423 is replaced by asparagine, an amino acid with similar properties. This amino acid position is conserved. In addition, this alteration is predicted to be tolerated by in silico analysis. Based on the available evidence, the clinical significance of this variant remains unclear.